The following is an entry in ClinVar:

ClinVar aggregate classification (germline): Benign/Likely benign. Review status: criteria provided, multiple submitters, no conflicts (2 of 4 stars). 5 submissions from 5 submitters: Benign (1); Likely benign (4). Last evaluated 2025-02-05.

Conditions:
Familial cancer of breast. Also called: Hereditary breast cancer; BREAST CANCER, FAMILIAL; hereditary breast carcinoma. Identifiers: Orphanet 227535, MedGen C0346153, MONDO:0016419, OMIM 114480. Disease mechanism: loss of function.
Ataxia-telangiectasia syndrome (AT). Also called: Ataxia-telangiectasia; Ataxia-telangiectasia, complementation group D; Ataxia telangiectasia (A-T); LOUIS-BAR SYNDROME; Cerebello-oculocutaneous telangiectasia; Immunodeficiency with ataxia telangiectasia. Identifiers: Orphanet 100, MedGen C0004135, MONDO:0008840, OMIM 208900.
Hereditary cancer-predisposing syndrome. Also called: Tumor predisposition; Neoplastic Syndromes, Hereditary; Hereditary neoplastic syndrome; Hereditary Cancer Syndrome. Identifiers: Orphanet 140162, MedGen C0027672, MeSH D009386, MONDO:0015356.

Allele frequency attached by ClinVar (database versions not stated): ExAC 0.00001; gnomAD exomes 0.00001.
gnomAD v4.1: 7 of 1,613,868 alleles (0.00043%); highest among the groups gnomAD compares: South Asian, 0.0077%; no homozygotes.

Submissions (5):

Labcorp Genetics (formerly Invitae), Labcorp
Classification: Likely benign for Ataxia-telangiectasia syndrome. Last evaluated: 2025-02-05. Review status: criteria provided, single submitter. Criteria: Invitae Variant Classification Sherloc (09022015). Collection method: clinical testing. Allele origin: germline.

Women's Health and Genetics/Laboratory Corporation of America, LabCorp
Classification: Likely benign. Last evaluated: 2024-09-06. Review status: criteria provided, single submitter. Criteria: LabCorp Variant Classification Summary - May 2015. Collection method: clinical testing. Allele origin: germline.

Blueprint Genetics
Classification: Likely benign. Last evaluated: 2024-07-30. Review status: criteria provided, single submitter. Criteria: ACMG Guidelines, 2015. Collection method: clinical testing. Allele origin: germline.

Myriad Genetics, Inc.
Classification: Benign for Familial cancer of breast. Last evaluated: 2024-05-10. Review status: criteria provided, single submitter. Criteria: Myriad Autosomal Dominant, Autosomal Recessive and X-Linked Classification Criteria (2023). Collection method: clinical testing. Allele origin: unknown.
Comment: This variant is considered benign. This variant is a silent/synonymous amino acid change and it is not expected to impact splicing.

Ambry Genetics
Classification: Likely benign for Hereditary cancer-predisposing syndrome. Last evaluated: 2017-09-27. Review status: criteria provided, single submitter. Criteria: Ambry Variant Classification Scheme 2023. Collection method: clinical testing. Allele origin: germline.

NM_000051.4(ATM):c.2940T>C (p.Tyr980=)

Gene: ATM (ATM serine/threonine kinase; plus strand). Cytogenetic location: 11q22.3.
Variant type: single nucleotide variant.
Coding change: c.2940T>C on transcript NM_000051.4 (MANE Select); coding-DNA position 2940, T replaced by C.
Protein change: p.Tyr980=; no amino-acid change (tyrosine 980 retained).
Molecular consequence: synonymous variant.
Genome position (GRCh38, 1-based): chr11:108,271,269, T>C. VCF-style: chr11-108271269-T-C. GRCh37 (hg19) VCF-style: chr11-108141996-T-C.
Other names: c.2940T>C, p.Tyr980= (NM_001351834.2).
Identifiers: ClinVar variation 796481 (VCV000796481.16), dbSNP rs748119565, ClinGen allele CA6265161.